The following is an entry in ClinVar:

NM_052947.4(ALPK2):c.2413G>A (p.Glu805Lys)

Gene: ALPK2 (alpha kinase 2; minus strand). Cytogenetic location: 18q21.31.
Variant type: single nucleotide variant.
Coding change: c.2413G>A on transcript NM_052947.4 (MANE Select); coding-DNA position 2413, G replaced by A.
Protein change: p.Glu805Lys; replaces glutamic acid 805 with lysine.
Molecular consequence: missense variant.
Genome position (GRCh38, 1-based): chr18:58,537,774, C>T on the plus strand (G>A on the coding strand, the complement: ALPK2 is on the minus strand). VCF-style: chr18-58537774-C-T. GRCh37 (hg19) VCF-style: chr18-56205006-C-T.
Other names: short protein forms E805K.
Identifiers: ClinVar variation 1790918 (VCV001790918.3), dbSNP rs2518877710, ClinGen allele CA402570749.

ClinVar aggregate classification (germline): Uncertain significance (1 of 4 stars; one submission).

Submission:

Ambry Genetics
Classification: Uncertain significance. Last evaluated: 2024-08-12. Review status: criteria provided, single submitter. Criteria: Ambry Variant Classification Scheme 2023. Collection method: clinical testing. Allele origin: germline.
Comment: The p.E805K variant (also known as c.2413G>A), located in coding exon 4 of the ALPK2 gene, results from a G to A substitution at nucleotide position 2413. The glutamic acid at codon 805 is replaced by lysine, an amino acid with similar properties. This amino acid position is conserved. In addition, this alteration is predicted to be tolerated by in silico analysis. Since supporting evidence is limited at this time, the clinical significance of this alteration remains unclear.